The following is an entry in ClinVar:

ClinVar aggregate classification (germline): Conflicting classifications of pathogenicity. Review status: criteria provided, conflicting classifications (1 of 4 stars). 4 submissions from 4 submitters: Uncertain significance (1); Likely benign (2). 1 of the submissions does not count toward it. Last evaluated 2026-01-22.

Conditions:
Epilepsy. Also called: Seizure disorder. Identifiers: MedGen C0014544, MeSH D004827, MONDO:0005027.
PIGQ-related disorder. Also called: PIGQ-related condition.

Allele frequency attached by ClinVar (database versions not stated): gnomAD exomes 0.00016; ExAC 0.00027; TOPMed 0.00071; ESP Exome Variant Server 0.00077; 1000 Genomes Project 30x 0.00125; 1000 Genomes Project 0.00140.
gnomAD v4.1: 254 of 1,610,852 alleles (0.016%); highest among the groups gnomAD compares: African/African-American, 0.3%; 1 homozygote.

Submissions (4):

Labcorp Genetics (formerly Invitae), Labcorp
Classification: Likely benign for Epilepsy. Last evaluated: 2026-01-22. Review status: criteria provided, single submitter. Criteria: Invitae Variant Classification Sherloc (09022015). Collection method: clinical testing. Allele origin: germline.

GeneDx
Classification: Uncertain significance. Last evaluated: 2022-12-17. Review status: criteria provided, single submitter. Criteria: GeneDx Variant Classification Process June 2021. Collection method: clinical testing. Allele origin: germline. Affected: yes.
Comment: In silico analysis supports that this missense variant has a deleterious effect on protein structure/function; Has not been previously published as pathogenic or benign to our knowledge

Breakthrough Genomics
Classification: Likely benign. Review status: criteria provided, single submitter. Criteria: ACMG Guidelines, 2015. Collection method: not provided. Allele origin: germline. Inheritance: Autosomal recessive inheritance. Affected: yes.

PreventionGenetics, part of Exact Sciences
Classification: Likely benign for PIGQ-related condition. Last evaluated: 2023-02-24. Review status: no assertion criteria provided. Collection method: clinical testing. Allele origin: germline. Not counted in ClinVar's aggregate classification.
Comment: This variant is classified as likely benign based on ACMG/AMP sequence variant interpretation guidelines (Richards et al. 2015 PMID: 25741868, with internal and published modifications).

NM_004204.5(PIGQ):c.1501C>T (p.Leu501Phe)

Gene: PIGQ (phosphatidylinositol glycan anchor biosynthesis class Q; plus strand). Cytogenetic location: 16p13.3.
Variant type: single nucleotide variant.
Coding change: c.1501C>T on transcript NM_004204.5 (MANE Select); coding-DNA position 1501, C replaced by T.
Protein change: p.Leu501Phe; replaces leucine 501 with phenylalanine.
Molecular consequence: missense variant.
Genome position (GRCh38, 1-based): chr16:580,942, C>T. VCF-style: chr16-580942-C-T. GRCh37 (hg19) VCF-style: chr16-630942-C-T.
Other names: c.1501C>T, p.Leu501Phe (NM_148920.4); short protein forms L501F.
Identifiers: ClinVar variation 718059 (VCV000718059.14), dbSNP rs149175905, ClinGen allele CA7780320.